The following is an entry in ClinVar:

NM_024675.4(PALB2):c.108+9A>T

Gene: PALB2 (partner and localizer of BRCA2; minus strand). Cytogenetic location: 16p12.2.
Variant type: single nucleotide variant.
Coding change: c.108+9A>T on transcript NM_024675.4 (MANE Select); 9 bases into the intron after coding-DNA position 108, A replaced by T.
Molecular consequence: intron variant.
Genome position (GRCh38, 1-based): chr16:23,638,061, T>A on the plus strand (A>T on the coding strand, the complement: PALB2 is on the minus strand). VCF-style: chr16-23638061-T-A. GRCh37 (hg19) VCF-style: chr16-23649382-T-A.
Other names: c.-778+9A>T (NM_001407308.1, NM_001407306.1, NM_001407307.1 and 5 more transcripts); c.48+3049A>T (NM_001407314.1); c.-105+3049A>T (NM_001407313.1, NM_001407312.1); c.49-109A>T (NM_001407296.1); c.108+9A>T (NM_001407297.1, NM_001407302.1, NM_001407298.1 and 3 more transcripts).
Identifiers: ClinVar variation 3904640 (VCV003904640.1).

ClinVar aggregate classification (germline): Likely benign (1 of 4 stars; one submission).

Conditions:
Familial cancer of breast. Also called: Hereditary breast cancer; hereditary breast carcinoma; BREAST CANCER, FAMILIAL. Identifiers: Orphanet 227535, MedGen C0346153, MONDO:0016419, OMIM 114480. Disease mechanism: loss of function.

Submission:

Myriad Genetics, Inc.
Classification: Likely benign for Familial cancer of breast. Last evaluated: 2025-01-09. Review status: criteria provided, single submitter. Criteria: Myriad Autosomal Dominant, Autosomal Recessive and X-Linked Classification Criteria (2023). Collection method: clinical testing. Allele origin: unknown.
Comment: This variant is considered likely benign. This variant is intronic and is not expected to impact mRNA splicing.